The following is an entry in ClinVar:

NM_001130823.3(DNMT1):c.430G>A (p.Asp144Asn)

Gene: DNMT1 (DNA methyltransferase 1; minus strand). Cytogenetic location: 19p13.2.
Variant type: single nucleotide variant.
Coding change: c.430G>A on transcript NM_001130823.3 (MANE Select); coding-DNA position 430, G replaced by A.
Protein change: p.Asp144Asn; replaces aspartic acid 144 with asparagine.
Molecular consequence: missense variant.
Genome position (GRCh38, 1-based): chr19:10,180,365, C>T on the plus strand (G>A on the coding strand, the complement: DNMT1 is on the minus strand). VCF-style: chr19-10180365-C-T. GRCh37 (hg19) VCF-style: chr19-10291041-C-T.
Other names: c.430G>A, p.Asp144Asn (NM_001318730.2, NM_001379.4); c.67G>A, p.Asp23Asn (NM_001318731.2); c.430G>A (NM_001130823.2); short protein forms D144N, D23N.
Identifiers: ClinVar variation 1302548 (VCV001302548.5), dbSNP rs765353997, ClinGen allele CA9188756.

ClinVar aggregate classification (germline): Uncertain significance. Review status: criteria provided, multiple submitters, no conflicts (2 of 4 stars). 3 submissions from 3 submitters: Uncertain significance (2). 1 of the submissions does not count toward it. Last evaluated 2024-03-31.

Conditions:
DNMT1-related disorder. Also called: DNMT1-related condition. Identifiers: MedGen CN381527.
Hereditary sensory neuropathy-deafness-dementia syndrome. Also called: HSN IE; Hereditary sensory neuropathy type IE; Hereditary Sensory and Autonomic Neuropathy Type 1E (HSAN1E); NEUROPATHY, HEREDITARY SENSORY, WITH HEARING LOSS AND DEMENTIA. Identifiers: Orphanet 456318, MedGen C3279885, MONDO:0013584, OMIM 614116.

Allele frequency attached by ClinVar (database versions not stated): ExAC 0.00001; gnomAD exomes 0.00001; TOPMed 0.00001; gnomAD 0.00002 and 0.00003.

Submissions (3):

Labcorp Genetics (formerly Invitae), Labcorp
Classification: Uncertain significance for Hereditary sensory neuropathy-deafness-dementia syndrome. Last evaluated: 2024-03-31. Review status: criteria provided, single submitter. Criteria: Invitae Variant Classification Sherloc (09022015). Collection method: clinical testing. Allele origin: germline.
Comment: This sequence change replaces aspartic acid, which is acidic and polar, with asparagine, which is neutral and polar, at codon 144 of the DNMT1 protein (p.Asp144Asn). This variant is present in population databases (rs765353997, gnomAD 0.007%). This variant has not been reported in the literature in individuals affected with DNMT1-related conditions. ClinVar contains an entry for this variant (Variation ID: 1302548). Algorithms developed to predict the effect of missense changes on protein structure and function output the following: SIFT: "Not Available"; PolyPhen-2: "Possibly Damaging"; Align-GVGD: "Not Available". The asparagine amino acid residue is found in multiple mammalian species, which suggests that this missense change does not adversely affect protein function. In summary, the available evidence is currently insufficient to determine the role of this variant in disease. Therefore, it has been classified as a Variant of Uncertain Significance.

GeneDx
Classification: Uncertain significance. Last evaluated: 2019-05-07. Review status: criteria provided, single submitter. Criteria: GeneDx Variant Classification Process June 2021. Collection method: clinical testing. Allele origin: germline. Affected: yes.
Comment: In silico analysis, which includes protein predictors and evolutionary conservation, supports that this variant does not alter protein structure/function; Has not been previously published as pathogenic or benign to our knowledge

PreventionGenetics, part of Exact Sciences
Classification: Uncertain significance for DNMT1-related condition. Last evaluated: 2024-05-29. Review status: no assertion criteria provided. Collection method: clinical testing. Allele origin: germline. Not counted in ClinVar's aggregate classification.
Comment: The DNMT1 c.430G>A variant is predicted to result in the amino acid substitution p.Asp144Asn. To our knowledge, this variant has not been reported in the literature. This variant is reported in 0.0062% of alleles in individuals of African descent in gnomAD. At this time, the clinical significance of this variant is uncertain due to the absence of conclusive functional and genetic evidence.